The following is an entry in ClinVar:

ClinVar aggregate classification (germline): Conflicting classifications of pathogenicity. Review status: criteria provided, conflicting classifications (1 of 4 stars). 4 submissions from 4 submitters: Uncertain significance (3); Likely benign (1). Last evaluated 2025-11-18.

Conditions:
Hereditary cancer-predisposing syndrome. Also called: Tumor predisposition; Hereditary Cancer Syndrome; Hereditary neoplastic syndrome; Neoplastic Syndromes, Hereditary. Identifiers: Orphanet 140162, MedGen C0027672, MeSH D009386, MONDO:0015356.

Allele frequency attached by ClinVar (database versions not stated): ExAC 0.00003; TOPMed 0.00004; gnomAD 0.00005; gnomAD exomes 0.00008 and 0.00011.
gnomAD v4.1: 114 of 1,611,182 alleles (0.0071%); highest among the groups gnomAD compares: East Asian, 0.06%; no homozygotes.

Submissions (4):

Labcorp Genetics (formerly Invitae), Labcorp
Classification: Uncertain significance. Last evaluated: 2025-11-18. Review status: criteria provided, single submitter. Criteria: Invitae Variant Classification Sherloc (09022015). Collection method: clinical testing. Allele origin: germline.
Comment: This sequence change replaces valine, which is neutral and non-polar, with methionine, which is neutral and non-polar, at codon 39 of the XRCC2 protein (p.Val39Met). This variant is present in population databases (rs730882040, gnomAD 0.1%), and has an allele count higher than expected for a pathogenic variant. This variant has not been reported in the literature in individuals affected with XRCC2-related conditions. ClinVar contains an entry for this variant (Variation ID: 182991). Invitae Evidence Modeling of protein sequence and biophysical properties (such as structural, functional, and spatial information, amino acid conservation, physicochemical variation, residue mobility, and thermodynamic stability) indicates that this missense variant is not expected to disrupt XRCC2 protein function with a negative predictive value of 80%. In summary, the available evidence is currently insufficient to determine the role of this variant in disease. Therefore, it has been classified as a Variant of Uncertain Significance.

Ambry Genetics
Classification: Likely benign for Hereditary cancer-predisposing syndrome. Last evaluated: 2023-04-20. Review status: criteria provided, single submitter. Criteria: Ambry Variant Classification Scheme 2023. Collection method: clinical testing. Allele origin: germline.

Sema4
Classification: Uncertain significance for Hereditary cancer-predisposing syndrome. Last evaluated: 2021-11-30. Review status: criteria provided, single submitter. Criteria: Sema4 Curation Guidelines. Collection method: curation. Allele origin: germline.
Comment: The XRCC2 c.115G>A (p.V39M) variant has been reported in heterozygosity in individuals with breast cancer and adenocarcinoma (PMID: 28779002, 31779681). It has been reported in a large case-control study of breast cancer in 15/60466 cases and 9/53461 controls (PMID: 33471991). It was observed in 24/19818 chromosomes in the East Asian subpopulation, with no homozygotes, according to the Genome Aggregation Database (PMID: 32461654). This variant has been reported in ClinVar (Variation ID: 182991). In silico tools suggest the impact of the variant on protein function is benign, though these predictions have not been confirmed by functional studies. The evidence is insufficient to meet ACMG/AMP criteria for classifying the variant as benign or pathogenic. Thus, the clinical significance of this variant is currently uncertain.

GeneDx
Classification: Uncertain significance. Last evaluated: 2017-03-17. Review status: criteria provided, single submitter. Criteria: GeneDx Variant Classification (06012015). Collection method: clinical testing. Allele origin: germline. Affected: yes.
Comment: This variant is denoted XRCC2 c.115G>A at the cDNA level, p.Val39Met (V39M) at the protein level, and results in the change of a Valine to a Methionine (GTG>ATG). This variant has not, to our knowledge, been published in the literature as pathogenic or benign. XRCC2 Val39Met was not observed in approximately 6,500 individuals of European and African American ancestry in the NHLBI Exome Sequencing Project, indicating it is not a common benign variant in these populations. Since Valine and Methionine share similar properties, this is considered a conservative amino acid substitution. XRCC2 Val39Met occurs at a position that is conserved in mammals and is not located in a known functional domain. In addition, in silico analyses are inconsistent regarding the effect this variant may have on protein structure and function. Based on currently available information, it is unclear whether XRCC2 Val39Met is pathogenic or benign. We consider it to be a variant of uncertain significance.

Literature cited by the submitters: PubMed 28779002 (cited by Ambry Genetics and Sema4); PubMed 29641532 (cited by Ambry Genetics); PubMed 33471991 (cited by Ambry Genetics and Sema4); PubMed 31779681 (cited by Sema4).

NM_005431.2(XRCC2):c.115G>A (p.Val39Met)

Gene: XRCC2 (X-ray repair cross complementing 2; minus strand). Cytogenetic location: 7q36.1.
Variant type: single nucleotide variant.
Coding change: c.115G>A on transcript NM_005431.2 (MANE Select); coding-DNA position 115, G replaced by A.
Protein change: p.Val39Met; replaces valine 39 with methionine.
Molecular consequence: missense variant.
Genome position (GRCh38, 1-based): chr7:152,660,707, C>T on the plus strand (G>A on the coding strand, the complement: XRCC2 is on the minus strand). VCF-style: chr7-152660707-C-T. GRCh37 (hg19) VCF-style: chr7-152357792-C-T.
Other names: p.V39M:GTG>ATG; short protein forms V39M.
Identifiers: ClinVar variation 182991 (VCV000182991.16), dbSNP rs730882040, ClinGen allele CA300465.